The following is an entry in ClinVar:

ClinVar aggregate classification (germline): Uncertain significance. Review status: criteria provided, multiple submitters, no conflicts (2 of 4 stars). 2 submissions from 2 submitters: Uncertain significance (2). Last evaluated 2025-10-03.

Conditions:
Inborn genetic diseases. Identifiers: MedGen C0950123, MeSH D030342.
Autosomal recessive severe congenital neutropenia due to G6PC3 deficiency. Also called: NEUTROPENIA, SEVERE CONGENITAL, 4, AUTOSOMAL RECESSIVE; G6PC3 Deficiency. Identifiers: Orphanet 331176, MedGen C2751630, MONDO:0012930, OMIM 612541.

Submissions (2):

Ambry Genetics
Classification: Uncertain significance for Inborn genetic diseases. Last evaluated: 2025-10-03. Review status: criteria provided, single submitter. Criteria: Ambry Variant Classification Scheme 2023. Collection method: clinical testing. Allele origin: germline.
Comment: The p.W226C variant (also known as c.678G>T) is located in coding exon 6 of the G6PC3 gene. The tryptophan at codon 226 is replaced by cysteine, an amino acid with highly dissimilar properties. This change occurs in the first base pair of coding exon 6. This amino acid position is conserved. In addition, this alteration is predicted to be deleterious by in silico analysis. Based on the available evidence, the clinical significance of this variant remains unclear.

Labcorp Genetics (formerly Invitae), Labcorp
Classification: Uncertain significance for Autosomal recessive severe congenital neutropenia due to G6PC3 deficiency. Last evaluated: 2025-05-04. Review status: criteria provided, single submitter. Criteria: Invitae Variant Classification Sherloc (09022015). Collection method: clinical testing. Allele origin: germline.
Comment: This sequence change replaces tryptophan, which is neutral and slightly polar, with cysteine, which is neutral and slightly polar, at codon 226 of the G6PC3 protein (p.Trp226Cys). This variant is not present in population databases (gnomAD no frequency). This variant has not been reported in the literature in individuals affected with G6PC3-related conditions. Invitae Evidence Modeling of protein sequence and biophysical properties (such as structural, functional, and spatial information, amino acid conservation, physicochemical variation, residue mobility, and thermodynamic stability) indicates that this missense variant is expected to disrupt G6PC3 protein function with a positive predictive value of 95%. Algorithms developed to predict the effect of sequence changes on RNA splicing suggest that this variant may disrupt the consensus splice site. In summary, the available evidence is currently insufficient to determine the role of this variant in disease. Therefore, it has been classified as a Variant of Uncertain Significance.

NM_138387.4(G6PC3):c.678G>T (p.Trp226Cys)

Gene: G6PC3 (glucose-6-phosphatase catalytic subunit 3; plus strand). Cytogenetic location: 17q21.31.
Variant type: single nucleotide variant.
Coding change: c.678G>T on transcript NM_138387.4 (MANE Select); coding-DNA position 678, G replaced by T.
Protein change: p.Trp226Cys; replaces tryptophan 226 with cysteine.
Molecular consequence: missense variant.
Genome position (GRCh38, 1-based): chr17:44,075,680, G>T. VCF-style: chr17-44075680-G-T. GRCh37 (hg19) VCF-style: chr17-42153048-G-T.
Other names: c.559G>T, p.Val187Phe (NM_001319945.2); c.333G>T, p.Trp111Cys (NM_001384165.1, NM_001384166.1, NM_001384167.1 and 1 more transcripts); short protein forms V187F, W111C, W226C.
Identifiers: ClinVar variation 4620491 (VCV004620491.2).